The following is an entry in ClinVar:

NM_025114.4(CEP290):c.5012+142A>G

Gene: CEP290 (centrosomal protein 290; minus strand). Cytogenetic location: 12q21.32.
Variant type: single nucleotide variant.
Coding change: c.5012+142A>G on transcript NM_025114.4 (MANE Select); 142 bases into the intron after coding-DNA position 5012, A replaced by G.
Molecular consequence: intron variant.
Genome position (GRCh38, 1-based): chr12:88,082,889, T>C on the plus strand (A>G on the coding strand, the complement: CEP290 is on the minus strand). VCF-style: chr12-88082889-T-C. GRCh37 (hg19) VCF-style: chr12-88476666-T-C.
Other names: NC_000012.11:g.88476666T>C.
Identifiers: ClinVar variation 681361 (VCV000681361.2), dbSNP rs78015808, ClinGen allele CA241156421.

ClinVar aggregate classification (germline): Likely benign (1 of 4 stars; one submission).

Allele frequency attached by ClinVar (database versions not stated): 1000 Genomes Project 30x 0.01921; 1000 Genomes Project 0.01997; gnomAD 0.02915 and 0.02918; TOPMed 0.02986.
gnomAD v4.1: 18,887 of 539,946 alleles (3.5%); highest among the groups gnomAD compares: Middle Eastern, 5.4%; 479 homozygotes.

Submissions (4):

GeneDx
Classification: Likely benign. Last evaluated: 2018-06-14. Review status: criteria provided, single submitter. Criteria: GeneDx Variant Classification (06012015). Collection method: clinical testing. Allele origin: germline. Affected: yes.
Comment: This variant is considered likely benign or benign based on one or more of the following criteria: it is a conservative change, it occurs at a poorly conserved position in the protein, it is predicted to be benign by multiple in silico algorithms, and/or has population frequency not consistent with disease.

Dr. Peter K. Rogan Lab, Western University
No classification provided (evidence only). Condition: Sarcoma. Review status: no classification provided. Collection method: in vitro. Allele origin: not applicable. Functional consequence: retained intron. Not counted in ClinVar's aggregate classification.

Dr. Peter K. Rogan Lab, Western University
No classification provided (evidence only). Condition: Sarcoma. Review status: no classification provided. Collection method: in vitro. Allele origin: not applicable. Functional consequence: retained intron. Not counted in ClinVar's aggregate classification.

Dr. Peter K. Rogan Lab, Western University
No classification provided (evidence only). Condition: Malignant tumor of esophagus. Review status: no classification provided. Collection method: in vitro. Allele origin: not applicable. Functional consequence: retained intron. Not counted in ClinVar's aggregate classification.